The following is an entry in ClinVar:

ClinVar aggregate classification (germline): Uncertain significance (1 of 4 stars; one submission).

Allele frequency attached by ClinVar (database versions not stated): ExAC 0.00001; gnomAD exomes 0.00002; TOPMed 0.00003.
gnomAD v4.1: 27 of 1,612,976 alleles (0.0017%); highest among the groups gnomAD compares: Non-Finnish European, 0.0019%; no homozygotes.

Submission:

Labcorp Genetics (formerly Invitae), Labcorp
Classification: Uncertain significance. Last evaluated: 2023-10-30. Review status: criteria provided, single submitter. Criteria: Invitae Variant Classification Sherloc (09022015). Collection method: clinical testing. Allele origin: germline.
Comment: This sequence change replaces alanine, which is neutral and non-polar, with valine, which is neutral and non-polar, at codon 394 of the ALX4 protein (p.Ala394Val). This variant is present in population databases (rs774043649, gnomAD 0.009%). This variant has not been reported in the literature in individuals affected with ALX4-related conditions. An algorithm developed to predict the effect of missense changes on protein structure and function (PolyPhen-2) suggests that this variant is likely to be disruptive. In summary, the available evidence is currently insufficient to determine the role of this variant in disease. Therefore, it has been classified as a Variant of Uncertain Significance.

NM_021926.4(ALX4):c.1181C>T (p.Ala394Val)

Gene: ALX4 (ALX homeobox 4; minus strand). Cytogenetic location: 11p11.2.
Variant type: single nucleotide variant.
Coding change: c.1181C>T on transcript NM_021926.4 (MANE Select); coding-DNA position 1181, C replaced by T.
Protein change: p.Ala394Val; replaces alanine 394 with valine.
Molecular consequence: missense variant.
Genome position (GRCh38, 1-based): chr11:44,264,909, G>A on the plus strand (C>T on the coding strand, the complement: ALX4 is on the minus strand). VCF-style: chr11-44264909-G-A. GRCh37 (hg19) VCF-style: chr11-44286459-G-A.
Other names: short protein forms A394V.
Identifiers: ClinVar variation 2983173 (VCV002983173.3), dbSNP rs774043649, ClinGen allele CA5955502.
Genomic context (GRCh38, chr11:44,264,909, plus strand): 5'-CCCTGTCATGTGGCCCAGGAAATGGCCGCACTGTGCTCCTTGGCCTTCATGCGGAGGGCC[G>A]CGATGCTCGAGGTCTTGCGGTCCGGCTCGCCGTTGAGCTCGTAGCCATTGAGGCCTGGGC-3'
Protein context (NP_068745.2, residues 384-404): GEPDRKTSSI[Ala394Val]ALRMKAKEHS